The following is an entry in ClinVar:

ClinVar aggregate classification (germline): Uncertain significance. Review status: criteria provided, multiple submitters, no conflicts (2 of 4 stars). 3 submissions from 3 submitters: Uncertain significance (3). Last evaluated 2024-04-12.

Conditions:
Joubert syndrome. Also called: CEREBELLOPARENCHYMAL DISORDER IV; JOUBERT-BOLTSHAUSER SYNDROME; Familial aplasia of the vermis. Identifiers: Orphanet 475, MedGen C5979921, MONDO:0018772.
Nephronophthisis. Also called: Juvenile Nephronophthisis. Identifiers: Orphanet 655, MedGen C0687120, MONDO:0019005, HP:0000090.
Meckel-Gruber syndrome. Also called: DYSENCEPHALIA SPLANCHNOCYSTICA; GRUBER SYNDROME; Dysencephalia splachnocystica. Identifiers: Orphanet 564, MedGen C0265215, MONDO:0018921.
Senior-Loken syndrome 6 (SLSN6). Identifiers: Orphanet 3156, MedGen C1857779, MONDO:0012433, OMIM 610189.
Joubert syndrome 5 (JBTS5). Identifiers: Orphanet 2318, MedGen C1857780, MONDO:0012432, OMIM 610188.
Bardet-Biedl syndrome 14 (BBS14). Identifiers: Orphanet 110, MedGen C2673874, MONDO:0014442, OMIM 615991.
Leber congenital amaurosis 10 (LCA10). Identifiers: Orphanet 65, MedGen C1857821, MONDO:0012723, OMIM 611755.
Meckel syndrome, type 4 (MKS4). Also called: MECKEL-GRUBER SYNDROME, TYPE 4. Identifiers: Orphanet 564, MedGen C1970161, MONDO:0012626, OMIM 611134.

Allele frequency attached by ClinVar (database versions not stated): TOPMed below 0.00001; gnomAD 0.00001; gnomAD exomes 0.00001.
gnomAD v4.1: 7 of 1,602,426 alleles (0.00044%); highest among the groups gnomAD compares: Non-Finnish European, 0.0006%; no homozygotes.

Submissions (3):

Fulgent Genetics
Classification: Uncertain significance for Joubert syndrome 5; Senior-Loken syndrome 6; Meckel syndrome, type 4; Leber congenital amaurosis 10; Bardet-Biedl syndrome 14. Last evaluated: 2024-04-12. Review status: criteria provided, single submitter. Criteria: ACMG Guidelines, 2015. Collection method: clinical testing. Allele origin: germline.

Labcorp Genetics (formerly Invitae), Labcorp
Classification: Uncertain significance for Joubert syndrome; Meckel-Gruber syndrome; Nephronophthisis. Last evaluated: 2022-03-09. Review status: criteria provided, single submitter. Criteria: Invitae Variant Classification Sherloc (09022015). Collection method: clinical testing. Allele origin: germline.
Comment: This sequence change replaces histidine, which is basic and polar, with tyrosine, which is neutral and polar, at codon 2116 of the CEP290 protein (p.His2116Tyr). This variant is not present in population databases (gnomAD no frequency). This variant has not been reported in the literature in individuals affected with CEP290-related conditions. Algorithms developed to predict the effect of missense changes on protein structure and function (SIFT, PolyPhen-2, Align-GVGD) all suggest that this variant is likely to be tolerated. In summary, the available evidence is currently insufficient to determine the role of this variant in disease. Therefore, it has been classified as a Variant of Uncertain Significance.

Genetic Services Laboratory, University of Chicago
Classification: Uncertain significance. Last evaluated: 2019-05-15. Review status: criteria provided, single submitter. Criteria: ACMG Guidelines, 2015. Collection method: clinical testing. Allele origin: germline. Affected: no.

NM_025114.4(CEP290):c.6346C>T (p.His2116Tyr)

Genes: CEP290 (centrosomal protein 290; minus strand), LOC129390514 (MPRA-validated peak1864 silencer; plus strand). Cytogenetic location: 12q21.32.
Variant type: single nucleotide variant.
Coding change: c.6346C>T on transcript NM_025114.4 (MANE Select); coding-DNA position 6346, C replaced by T.
Protein change: p.His2116Tyr; replaces histidine 2116 with tyrosine.
Molecular consequence: missense variant.
Genome position (GRCh38, 1-based): chr12:88,062,703, G>A on the plus strand (C>T on the coding strand, the complement: CEP290 is on the minus strand). VCF-style: chr12-88062703-G-A. GRCh37 (hg19) VCF-style: chr12-88456480-G-A.
Other names: short protein forms H2116Y.
Identifiers: ClinVar variation 1337174 (VCV001337174.12), dbSNP rs2034573032, ClinGen allele CA385979097.
Genomic context (GRCh38, chr12:88,062,703, plus strand): 5'-GCTTATCACTGCTGAAACCAAAACAAATGTATGGTAAATTCTCACATACCCCTCTAACAT[G>A]GCCAAGTTTCCGCTGAACTTCTGCTTTTTCTTTCTTAAGAAATTCACACATTTCCTTCAA-3'
Protein context (NP_079390.3, residues 2106-2126): EKAEVQRKLG[His2116Tyr]VRGSGRSGKT